The following is an entry in ClinVar:

ClinVar aggregate classification (germline): Likely pathogenic (1 of 4 stars; one submission).

Conditions:
Disseminated atypical mycobacterial infection. Identifiers: MedGen C0694566.

Allele frequency attached by ClinVar (database versions not stated): gnomAD exomes below 0.00001; TOPMed below 0.00001; gnomAD 0.00001.

Submission:

Labcorp Genetics (formerly Invitae), Labcorp
Classification: Likely pathogenic for Disseminated atypical mycobacterial infection. Last evaluated: 2023-04-29. Review status: criteria provided, single submitter. Criteria: Invitae Variant Classification Sherloc (09022015). Collection method: clinical testing. Allele origin: germline.
Comment: In summary, the currently available evidence indicates that the variant is pathogenic, but additional data are needed to prove that conclusively. Therefore, this variant has been classified as Likely Pathogenic. Algorithms developed to predict the effect of sequence changes on RNA splicing suggest that this variant may disrupt the consensus splice site. Disruption of this splice site has been observed in individual(s) with clinical features of autosomal recessive mendelian susceptibility to mycobacterial disease (MSMD) (PMID: 29249112). This variant is not present in population databases (gnomAD no frequency). This sequence change affects an acceptor splice site in intron 2 of the IFNGR1 gene. It is expected to disrupt RNA splicing. Variants that disrupt the donor or acceptor splice site typically lead to a loss of protein function (PMID: 16199547), and loss-of-function variants in IFNGR1 are known to be pathogenic (PMID: 8960473, 9806040).

Literature cited by the submitters: PubMed 29249112; PubMed 16199547; PubMed 8960473; PubMed 9806040.

NM_000416.3(IFNGR1):c.201-1G>C

Gene: IFNGR1 (interferon gamma receptor 1; minus strand). Cytogenetic location: 6q23.3.
Variant type: single nucleotide variant.
Coding change: c.201-1G>C on transcript NM_000416.3 (MANE Select); the canonical splice acceptor site of the intron before coding-DNA position 201, G replaced by C.
Molecular consequence: splice acceptor variant.
Genome position (GRCh38, 1-based): chr6:137,206,309, C>G on the plus strand (G>C on the coding strand, the complement: IFNGR1 is on the minus strand). VCF-style: chr6-137206309-C-G. GRCh37 (hg19) VCF-style: chr6-137527446-C-G.
Other names: c.171-1G>C (NM_001363526.1); c.78-1G>C (NM_001363527.1).
Identifiers: ClinVar variation 2860623 (VCV002860623.3), dbSNP rs193922451, ClinGen allele CA365775971.